The following is an entry in ClinVar:

NM_001166108.2(PALLD):c.374C>T (p.Ser125Leu)

Gene: PALLD (palladin, cytoskeletal associated protein; plus strand). Cytogenetic location: 4q32.3.
Variant type: single nucleotide variant.
Coding change: c.374C>T on transcript NM_001166108.2 (MANE Select); coding-DNA position 374, C replaced by T.
Protein change: p.Ser125Leu; replaces serine 125 with leucine.
Molecular consequence: missense variant.
Genome position (GRCh38, 1-based): chr4:168,511,878, C>T. VCF-style: chr4-168511878-C-T. GRCh37 (hg19) VCF-style: chr4-169433029-C-T.
Other names: c.374C>T, p.Ser125Leu (NM_016081.4); short protein forms S125L.
Identifiers: ClinVar variation 3304026 (VCV003304026.1).

ClinVar aggregate classification (germline): Uncertain significance (1 of 4 stars; one submission).

Submission:

Ambry Genetics
Classification: Uncertain significance. Last evaluated: 2024-06-23. Review status: criteria provided, single submitter. Criteria: Ambry Variant Classification Scheme 2023. Collection method: clinical testing. Allele origin: germline.
Comment: The p.S125L variant (also known as c.374C>T), located in coding exon 1 of the PALLD gene, results from a C to T substitution at nucleotide position 374. The serine at codon 125 is replaced by leucine, an amino acid with dissimilar properties. This amino acid position is conserved. In addition, the in silico prediction for this alteration is inconclusive. Based on the available evidence, the clinical significance of this variant remains unclear.